The following is an entry in ClinVar:

NM_004333.6(BRAF):c.1448A>T (p.Lys483Ile)

Gene: BRAF (B-Raf proto-oncogene, serine/threonine kinase; minus strand). Cytogenetic location: 7q34.
Variant type: single nucleotide variant.
Coding change: c.1448A>T on transcript NM_004333.6 (MANE Select); coding-DNA position 1448, A replaced by T.
Protein change: p.Lys483Ile; replaces lysine 483 with isoleucine.
Molecular consequence: missense variant.
Genome position (GRCh38, 1-based): chr7:140,778,060, T>A on the plus strand (A>T on the coding strand, the complement: BRAF is on the minus strand). VCF-style: chr7-140778060-T-A. GRCh37 (hg19) VCF-style: chr7-140477860-T-A.
Other names: c.1448A>T, p.Lys483Ile (NM_001354609.2, NM_001378468.1, NM_001378474.1); c.1568A>T, p.Lys523Ile (NM_001374244.1, NM_001374258.1); c.1457A>T, p.Lys486Ile (NM_001378467.1); c.1382A>T, p.Lys461Ile (NM_001378469.1); c.1346A>T, p.Lys449Ile (NM_001378470.1); c.1337A>T, p.Lys446Ile (NM_001378471.1); c.1292A>T, p.Lys431Ile (NM_001378472.1, NM_001378473.1); c.1184A>T, p.Lys395Ile (NM_001378475.1); short protein forms K395I, K431I, K446I, K449I, K461I, K483I, K486I, K523I.
Identifiers: ClinVar variation 1198003 (VCV001198003.2), dbSNP rs1586126581, ClinGen allele CA369588491.

ClinVar aggregate classification (germline): Likely pathogenic (1 of 4 stars; one submission).

Submission:

GeneDx
Classification: Likely pathogenic. Last evaluated: 2019-11-13. Review status: criteria provided, single submitter. Criteria: GeneDx Variant Classification Process June 2021. Collection method: clinical testing. Allele origin: germline. Affected: yes.
Comment: Not observed in large population cohorts (Lek et al., 2016); The majority of missense variants in this gene are considered pathogenic (Stenson et al., 2014); In silico analysis, which includes protein predictors and evolutionary conservation, supports a deleterious effect; Has not been previously published as pathogenic or benign to our knowledge